The following is an entry in ClinVar:

ClinVar aggregate classification (germline): Pathogenic (1 of 4 stars; one submission).

Submission:

Dasa
Classification: Pathogenic. Last evaluated: 2024-05-31. Review status: criteria provided, single submitter. Criteria: DASA Assertion Criteria. Collection method: clinical testing. Allele origin: germline.
Comment: NM_001457.4(FLNB):c.3715G>T (p.Glu1239*) introduces a premature termination codon predicted to result in loss of normal protein function. Loss-of-function is an established mechanism of disease for this gene. Based on the available data, this variant is classified as pathogenic.

NM_001457.4(FLNB):c.3715G>T (p.Glu1239Ter)

Gene: FLNB (filamin B; plus strand). Cytogenetic location: 3p14.3.
Variant type: single nucleotide variant.
Coding change: c.3715G>T on transcript NM_001457.4 (MANE Select); coding-DNA position 3715, G replaced by T.
Protein change: p.Glu1239Ter; replaces glutamic acid 1239 with a stop codon.
Molecular consequence: nonsense.
Genome position (GRCh38, 1-based): chr3:58,123,681, G>T. VCF-style: chr3-58123681-G-T. GRCh37 (hg19) VCF-style: chr3-58109408-G-T.
Other names: c.3715G>T, p.Glu1239Ter (NM_001164317.2, NM_001164318.2, NM_001164319.2); short protein forms E1239*.
Identifiers: ClinVar variation 4851939 (VCV004851939.1).
Genomic context (GRCh38, chr3:58,123,681, plus strand): 5'-CGGGTCAAGGTGGAGCCCGCCGTGGACACCAGCAGGATCAAAGTCTTTGGACCAGGAATA[G>T]AAGGGAAAGGTGGGTTTCATTTAAAAAAAAAAAAAAAAAAAAAAAGACAAGCTGGGACTT-3'